The following is an entry in ClinVar:

NM_000243.3(MEFV):c.56A>G (p.Tyr19Cys)

Gene: MEFV (MEFV innate immunity regulator, pyrin; minus strand). Cytogenetic location: 16p13.3.
Variant type: single nucleotide variant.
Coding change: c.56A>G on transcript NM_000243.3 (MANE Select); coding-DNA position 56, A replaced by G.
Protein change: p.Tyr19Cys; replaces tyrosine 19 with cysteine.
Molecular consequence: missense variant.
Genome position (GRCh38, 1-based): chr16:3,256,532, T>C on the plus strand (A>G on the coding strand, the complement: MEFV is on the minus strand). VCF-style: chr16-3256532-T-C. GRCh37 (hg19) VCF-style: chr16-3306532-T-C.
Other names: c.56A>G, p.Tyr19Cys (NM_001198536.2); short protein forms Y19C.
Identifiers: ClinVar variation 1063261 (VCV001063261.13), dbSNP rs769605806, ClinGen allele CA7860547.

ClinVar aggregate classification (germline): Uncertain significance. Review status: criteria provided, multiple submitters, no conflicts (2 of 4 stars). 5 submissions from 5 submitters: Uncertain significance (2). 3 of the submissions do not count toward it. Last evaluated 2022-07-07.

Conditions:
Familial Mediterranean fever (FMF). Also called: Periodic peritonitis; Benign paroxysmal peritonitis; POLYSEROSITIS, FAMILIAL PAROXYSMAL; POLYSEROSITIS, RECURRENT. Identifiers: Orphanet 342, MedGen C0031069, MONDO:0018088, OMIM 249100. Disease mechanism: gain of function.

Allele frequency attached by ClinVar (database versions not stated): gnomAD exomes 0.00001 and 0.00002; ExAC 0.00002.
gnomAD v4.1: 15 of 1,614,054 alleles (0.00093%); highest among the groups gnomAD compares: South Asian, 0.0077%; no homozygotes.

Submissions (5):

Blueprint Genetics
Classification: Uncertain significance. Last evaluated: 2022-07-07. Review status: criteria provided, single submitter. Criteria: ACMG Guidelines, 2015. Collection method: clinical testing. Allele origin: germline.

Labcorp Genetics (formerly Invitae), Labcorp
Classification: Uncertain significance for Familial Mediterranean fever. Last evaluated: 2021-08-13. Review status: criteria provided, single submitter. Criteria: Invitae Variant Classification Sherloc (09022015). Collection method: clinical testing. Allele origin: germline.
Comment: This sequence change replaces tyrosine with cysteine at codon 19 of the MEFV protein (p.Tyr19Cys). The tyrosine residue is moderately conserved and there is a large physicochemical difference between tyrosine and cysteine. This variant is present in population databases (rs769605806, ExAC 0.01%). This missense change has been observed in individual(s) with clinical features of MEFV-related conditions (PMID: 21520333). Algorithms developed to predict the effect of missense changes on protein structure and function are either unavailable or do not agree on the potential impact of this missense change (SIFT: "Tolerated"; PolyPhen-2: "Probably Damaging"; Align-GVGD: "Class C0"). Algorithms developed to predict the effect of sequence changes on RNA splicing suggest that this variant may create or strengthen a splice site. In summary, the available evidence is currently insufficient to determine the role of this variant in disease. Therefore, it has been classified as a Variant of Uncertain Significance.

Natera, Inc.
Classification: Uncertain significance for Familial Mediterranean fever. Last evaluated: 2021-04-28. Review status: no assertion criteria provided. Collection method: clinical testing. Allele origin: germline. Not counted in ClinVar's aggregate classification.

Genome Diagnostics Laboratory, University Medical Center Utrecht
Classification: Uncertain significance. Review status: no assertion criteria provided. Collection method: clinical testing. Allele origin: germline. Affected: yes. Study: VKGL Data-share Consensus. Not counted in ClinVar's aggregate classification.

Laboratory of Diagnostic Genome Analysis, Leiden University Medical Center (LUMC)
Classification: Uncertain significance. Review status: no assertion criteria provided. Collection method: clinical testing. Allele origin: germline. Affected: yes. Study: VKGL Data-share Consensus. Not counted in ClinVar's aggregate classification.

Literature cited by the submitters: PubMed 21520333 (cited by Labcorp Genetics (formerly Invitae), Labcorp).